The following is an entry in ClinVar:

NM_001330677.2(TBX15):c.1474T>A (p.Ser492Thr)

Gene: TBX15 (T-box transcription factor 15; minus strand). Cytogenetic location: 1p12.
Variant type: single nucleotide variant.
Coding change: c.1474T>A on transcript NM_001330677.2 (MANE Select); coding-DNA position 1474, T replaced by A.
Protein change: p.Ser492Thr; replaces serine 492 with threonine.
Molecular consequence: missense variant.
Genome position (GRCh38, 1-based): chr1:118,885,067, A>T on the plus strand (T>A on the coding strand, the complement: TBX15 is on the minus strand). VCF-style: chr1-118885067-A-T. GRCh37 (hg19) VCF-style: chr1-119427690-A-T.
Other names: c.1156T>A, p.Ser386Thr (NM_152380.3); short protein forms S492T, S386T.
Identifiers: ClinVar variation 1505741 (VCV001505741.6), dbSNP rs780309068, ClinGen allele CA1034841.

ClinVar aggregate classification (germline): Uncertain significance (1 of 4 stars; one submission).

Allele frequency attached by ClinVar (database versions not stated): gnomAD exomes below 0.00001; ExAC 0.00001.

Submission:

Labcorp Genetics (formerly Invitae), Labcorp
Classification: Uncertain significance. Last evaluated: 2023-08-10. Review status: criteria provided, single submitter. Criteria: Invitae Variant Classification Sherloc (09022015). Collection method: clinical testing. Allele origin: germline.
Comment: Advanced modeling of protein sequence and biophysical properties (such as structural, functional, and spatial information, amino acid conservation, physicochemical variation, residue mobility, and thermodynamic stability) performed at Invitae indicates that this missense variant is not expected to disrupt TBX15 protein function. ClinVar contains an entry for this variant (Variation ID: 1505741). This variant has not been reported in the literature in individuals affected with TBX15-related conditions. This variant is present in population databases (rs780309068, gnomAD 0.006%). This sequence change replaces serine, which is neutral and polar, with threonine, which is neutral and polar, at codon 386 of the TBX15 protein (p.Ser386Thr). In summary, the available evidence is currently insufficient to determine the role of this variant in disease. Therefore, it has been classified as a Variant of Uncertain Significance.